The following is an entry in ClinVar:

ClinVar aggregate classification (germline): Benign/Likely benign. Review status: criteria provided, multiple submitters, no conflicts (2 of 4 stars). 2 submissions from 2 submitters: Benign (1); Likely benign (1). Last evaluated 2022-09-01.

Conditions:
Neuroblastoma (NB). Identifiers: Orphanet 635, MedGen C0027819, MeSH D009447, MONDO:0005072, HP:0003006.

Allele frequency attached by ClinVar (database versions not stated): 1000 Genomes Project 0.00080; 1000 Genomes Project 30x 0.00094; TOPMed 0.00120; gnomAD 0.00121 and 0.00126; gnomAD exomes 0.00138.
gnomAD v4.1: 289 of 231,292 alleles (0.12%); highest among the groups gnomAD compares: Non-Finnish European, 0.21%; no homozygotes.

Submissions (2):

CeGaT Center for Human Genetics Tuebingen
Classification: Benign. Last evaluated: 2022-09-01. Review status: criteria provided, single submitter. Criteria: CeGaT Center For Human Genetics Tuebingen Variant Classification Criteria Version 2. Collection method: clinical testing. Allele origin: germline. Affected: yes. Observed: 5 variant alleles.
Comment: KIF1B: BS1, BS2

Illumina Laboratory Services, Illumina
Classification: Likely benign for Neuroblastoma. Last evaluated: 2018-01-13. Review status: criteria provided, single submitter. Criteria: ICSL Variant Classification Criteria 13 December 2019. Collection method: clinical testing. Allele origin: germline.
Comment: This variant was observed in the ICSL laboratory as part of a predisposition screen in an ostensibly healthy population. It had not been previously curated by ICSL or reported in the Human Gene Mutation Database (HGMD: prior to June 1st, 2018), and was therefore a candidate for classification through an automated scoring system. Utilizing variant allele frequency, disease prevalence and penetrance estimates, and inheritance mode, an automated score was calculated to assess if this variant is too frequent to cause the disease. Based on the score and internal cut-off values, a variant classified as likely benign is not then subjected to further curation. The score for this variant resulted in a classification of likely benign for this disease.

NM_001365951.3(KIF1B):c.*3035G>A

Gene: KIF1B (kinesin family member 1B; plus strand). Cytogenetic location: 1p36.22.
Variant type: single nucleotide variant.
Coding change: c.*3035G>A on transcript NM_001365951.3 (MANE Select); 3035 bases downstream of the stop codon, G replaced by A.
Molecular consequence: 3 prime UTR variant.
Genome position (GRCh38, 1-based): chr1:10,379,622, G>A. VCF-style: chr1-10379622-G-A. GRCh37 (hg19) VCF-style: chr1-10439680-G-A.
Other names: c.*3035G>A (NM_001365952.1, NM_015074.3).
Identifiers: ClinVar variation 291638 (VCV000291638.29), dbSNP rs41301987, ClinGen allele CA10607258.
Genomic context (GRCh38, chr1:10,379,622, plus strand): 5'-CGGGAAAGTTAAGAAACATAGCCCTTAAGGAAACCACCTTTATGTATTTTCTTAAAGCAC[G>A]CCTTTAAATAAGCAAAAACTTTAAAAGGCAGGAAAGAGAATTCTTAGGCAAATTCAGAGA-3'